The following is an entry in ClinVar:

NM_001128178.3(NPHP1):c.361_362dup (p.Ser121fs)

Gene: NPHP1 (nephrocystin 1; minus strand). Cytogenetic location: 2q13.
Variant type: Duplication.
Coding change: c.361_362dup on transcript NM_001128178.3 (MANE Select); coding-DNA positions 361 to 362, 2 bases duplicated (AG; older notation c.361_362dupAG).
Protein change: p.Ser121fs; shifts the reading frame from serine 121.
Molecular consequence: frameshift variant.
Genome position (GRCh38, 1-based): chr2:110,169,966-110,169,967, CT duplicated on the plus strand (AG on the coding strand, the reverse complement: NPHP1 is on the minus strand). VCF-style (leftmost placement, unchanged base first): chr2-110169965-A-ACT. GRCh37 (hg19) VCF-style: chr2-110927542-A-ACT.
Other names: c.361_362dup, p.Ser121fs (NM_000272.5, NM_001374256.1, NM_001374257.1 and 1 more transcripts); c.175_176dup, p.Ser59fs (NM_001128179.3); short protein forms S121fs, S59fs.
Identifiers: ClinVar variation 2681747 (VCV002681747.2), dbSNP rs2467405206.

ClinVar aggregate classification (germline): Likely pathogenic (1 of 4 stars; one submission).

Conditions:
Nephronophthisis 1 (NPHP1). Also called: Nephronophthisis familial juvenile. Identifiers: Orphanet 655, Orphanet 93592, MedGen C1855681, MONDO:0009728, OMIM 256100.

Submission:

Precision Medicine Center, Zhengzhou University
Classification: Likely pathogenic for Nephronophthisis 1. Last evaluated: 2023-12-01. Review status: criteria provided, single submitter. Criteria: ACMG Guidelines, 2015. Collection method: clinical testing. Allele origin: paternal. Affected: yes.
Comment: PVS1,PM2_p